The following is an entry in ClinVar:

NM_052947.4(ALPK2):c.1370C>T (p.Ala457Val)

Gene: ALPK2 (alpha kinase 2; minus strand). Cytogenetic location: 18q21.31.
Variant type: single nucleotide variant.
Coding change: c.1370C>T on transcript NM_052947.4 (MANE Select); coding-DNA position 1370, C replaced by T.
Protein change: p.Ala457Val; replaces alanine 457 with valine.
Molecular consequence: missense variant.
Genome position (GRCh38, 1-based): chr18:58,579,406, G>A on the plus strand (C>T on the coding strand, the complement: ALPK2 is on the minus strand). VCF-style: chr18-58579406-G-A. GRCh37 (hg19) VCF-style: chr18-56246638-G-A.
Other names: short protein forms A457V.
Identifiers: ClinVar variation 1771031 (VCV001771031.3), dbSNP rs199872766, ClinGen allele CA8977266.
Genomic context (GRCh38, chr18:58,579,406, plus strand): 5'-TCTCTTGCTTGGTGGCTGTCTCTGGTTTCTCCTTGAATTCCTGGATAATCATTTTCAGCA[G>A]CCTCGGGAGCAGTGGGGAGTTTATATCTCCCCTGTTCTGTCACTGAAGACGTTCCATCCT-3'
Protein context (NP_443179.3, residues 447-467): GRYKLPTAPE[Ala457Val]AENDYPGIQG

ClinVar aggregate classification (germline): Uncertain significance (1 of 4 stars; one submission).

Allele frequency attached by ClinVar (database versions not stated): gnomAD exomes 0.00004; TOPMed 0.00008; gnomAD 0.00009; ExAC 0.00011; 1000 Genomes Project 30x 0.00031; 1000 Genomes Project 0.00040.
gnomAD v4.1: 71 of 1,614,130 alleles (0.0044%); highest among the groups gnomAD compares: East Asian, 0.15%; no homozygotes.

Submission:

Ambry Genetics
Classification: Uncertain significance. Last evaluated: 2024-10-29. Review status: criteria provided, single submitter. Criteria: Ambry Variant Classification Scheme 2023. Collection method: clinical testing. Allele origin: germline.
Comment: The p.A457V variant (also known as c.1370C>T), located in coding exon 3 of the ALPK2 gene, results from a C to T substitution at nucleotide position 1370. The alanine at codon 457 is replaced by valine, an amino acid with similar properties. This amino acid position is conserved. In addition, this alteration is predicted to be tolerated by in silico analysis. Since supporting evidence is limited at this time, the clinical significance of this alteration remains unclear.